The following continues an entry in ClinVar:

NM_000256.3(MYBPC3):c.818G>A (p.Arg273His)

Gene: MYBPC3. ClinVar aggregate classification (germline): Uncertain significance. Uncertain significance (13).

Submissions 10 to 17 of 17:

Illumina Laboratory Services, Illumina
Classification: Uncertain significance for Left ventricular noncompaction 10. Last evaluated: 2017-04-28. Review status: criteria provided, single submitter. Criteria: ICSL Variant Classification Criteria 13 December 2019. Collection method: clinical testing. Allele origin: germline.

GeneDx
Classification: Uncertain significance. Last evaluated: 2016-12-15. Review status: criteria provided, single submitter. Criteria: GeneDx Variant Classification (06012015). Collection method: clinical testing. Allele origin: germline. Affected: yes.
Comment: Both proband and soneach harbored a second variant in the MYH7 gene; Subsequently, Olivotto et al.(2008) reported another individual with HCM who harbored R273H. The R273H variant was notobserved with any significant frequency in the NHLBI Exome Sequencing Project or in the ExomeAggregation Consortium (ExAC). However, R273H is a conservative amino acid substitution, which isnot likely to impact secondary protein structure as these residues share similar properties. In addition,this substitution occurs at a position that is not conserved. Nevertheless, in silico analysis predicts thisvariant is probably damaging to the protein structure/function. Finally, a missense variant at the sameresidue (R273C) has been reported in the Human Gene Mutation Database in association with HCM(Stenson et al., 2014); however, the pathogenicity of this variant has not been definitivelydetermined.Therefore, based on the currently available information, it is unclear whether this variant ispathogenic or rare benign. This result cannot be interpreted for diagnosis or used for family memberscreening at this time.

CHEO Genetics Diagnostic Laboratory, Children's Hospital of Eastern Ontario
Classification: Uncertain significance for Cardiomyopathy. Last evaluated: 2016-01-27. Review status: criteria provided, single submitter. Criteria: ACMG Guidelines, 2015. Collection method: clinical testing. Allele origin: germline. Study: Canadian Open Genetics Repository.

Agnes Ginges Centre for Molecular Cardiology, Centenary Institute
Classification: Uncertain significance for Hypertrophic cardiomyopathy 1. Last evaluated: 2015-07-03. Review status: criteria provided, single submitter. Criteria: Agnes Ginges Centre for Molecular Cardiology criteria (2015). Collection method: research. Allele origin: germline. Inheritance: Autosomal dominant inheritance. Affected: yes.
Comment: This MYBPC3 Arg273His variant has been described by Olivotto I., et al (2011) in a proband with HCM and is a singleton event in the Exome Aggregation Consortium dataset. Computational analyses (SIFT, Polyphen2, MutationTaster and CADD) are supportive of a possibly deleterious effect. More evidence and additional data is needed to confirm the role of this variant in disease. Thus, we classify this variant as of "uncertain significance".

CSER _CC_NCGL, University of Washington
Classification: Uncertain significance for Cardiomyopathy, hypertrophic. Last evaluated: 2014-06-01. Review status: no assertion criteria provided. Collection method: research. Allele origin: germline. Inheritance: Autosomal dominant inheritance. Study: ESP 6500 variant annotation. Not counted in ClinVar's aggregate classification.
Comment: Variants classified for the Actionable exomic incidental findings in 6503 participants: challenges of variant classification manuscript

Clinical Genetics DNA and cytogenetics Diagnostics Lab, Erasmus MC, Erasmus Medical Center
Classification: Uncertain significance. Review status: no assertion criteria provided. Collection method: clinical testing. Allele origin: germline. Affected: yes. Study: VKGL Data-share Consensus. Not counted in ClinVar's aggregate classification.

Genome Diagnostics Laboratory, University Medical Center Utrecht
Classification: Uncertain significance. Review status: no assertion criteria provided. Collection method: clinical testing. Allele origin: germline. Affected: yes. Study: VKGL Data-share Consensus. Not counted in ClinVar's aggregate classification.

Joint Genome Diagnostic Labs from Nijmegen and Maastricht, Radboudumc and MUMC+
Classification: Uncertain significance. Review status: no assertion criteria provided. Collection method: clinical testing. Allele origin: germline. Affected: yes. Study: VKGL Data-share Consensus. Not counted in ClinVar's aggregate classification.

Literature cited by the submitters: PubMed 16199542 (cited by 4 submitters); PubMed 21835320 (cited by 3 submitters); PubMed 27532257 (cited by 4 submitters); PubMed 31513939 (cited by 3 submitters); PubMed 32841044 (cited by Labcorp Genetics (formerly Invitae), Labcorp and Color Diagnostics, LLC DBA Color Health); PubMed 21425739 (cited by Labcorp Genetics (formerly Invitae), Labcorp); PubMed 18533079 (cited by Ambry Genetics); PubMed 18761664 (cited by Ambry Genetics); PubMed 23299917 (cited by Ambry Genetics); PubMed 25524337 (cited by Ambry Genetics and Agnes Ginges Centre for Molecular Cardiology, Centenary Institute); PubMed 25637381 (cited by Ambry Genetics); PubMed 31983221 (cited by Color Diagnostics, LLC DBA Color Health); PubMed 37477868 (cited by Color Diagnostics, LLC DBA Color Health).